The following is an entry in ClinVar:

ClinVar aggregate classification (germline): Likely benign (0 of 4 stars; one submission).

Conditions:
DNMT3A-related disorder. Also called: DNMT3A-related disorders; DNMT3A-related condition.

gnomAD v4.1: 1 of 1,613,568 alleles (0.000062%); highest among the groups gnomAD compares: Non-Finnish European, 0.000085%; no homozygotes.

Submission:

PreventionGenetics, part of Exact Sciences
Classification: Likely benign for DNMT3A-related condition. Last evaluated: 2024-04-08. Review status: no assertion criteria provided. Collection method: clinical testing. Allele origin: germline.
Comment: This variant is classified as likely benign based on ACMG/AMP sequence variant interpretation guidelines (Richards et al. 2015 PMID: 25741868, with internal and published modifications).

NM_022552.5(DNMT3A):c.702G>C (p.Gly234=)

Gene: DNMT3A (DNA methyltransferase 3 alpha; minus strand). Cytogenetic location: 2p23.3.
Variant type: single nucleotide variant.
Coding change: c.702G>C on transcript NM_022552.5 (MANE Select); coding-DNA position 702, G replaced by C.
Protein change: p.Gly234=; no amino-acid change (glycine 234 retained).
Molecular consequence: synonymous variant. On other transcripts: non-coding transcript variant (1).
Genome position (GRCh38, 1-based): chr2:25,248,190, C>G on the plus strand (G>C on the coding strand, the complement: DNMT3A is on the minus strand). VCF-style: chr2-25248190-C-G. GRCh37 (hg19) VCF-style: chr2-25471059-C-G.
Other names: c.246G>C, p.Gly82= (NM_001320893.1); c.33G>C, p.Gly11= (NM_001375819.1); c.135G>C, p.Gly45= (NM_153759.3); c.702G>C, p.Gly234= (NM_175629.2).
Identifiers: ClinVar variation 3347251 (VCV003347251.1).